The following is an entry in ClinVar:

ClinVar aggregate classification (germline): Uncertain significance (1 of 4 stars; one submission).

Allele frequency attached by ClinVar (database versions not stated): gnomAD exomes below 0.00001; TOPMed below 0.00001.
gnomAD v4.1: 2 of 1,613,604 alleles (0.00012%); highest among the groups gnomAD compares: Non-Finnish European, 0.00017%; no homozygotes.

Submission:

Labcorp Genetics (formerly Invitae), Labcorp
Classification: Uncertain significance. Last evaluated: 2023-03-16. Review status: criteria provided, single submitter. Criteria: Invitae Variant Classification Sherloc (09022015). Collection method: clinical testing. Allele origin: germline.
Comment: In summary, the available evidence is currently insufficient to determine the role of this variant in disease. Therefore, it has been classified as a Variant of Uncertain Significance. Experimental studies and prediction algorithms are not available or were not evaluated, and the functional significance of this variant is currently unknown. This variant has not been reported in the literature in individuals affected with SON-related conditions. This variant is present in population databases (no rsID available, gnomAD 0.0009%). This sequence change replaces serine, which is neutral and polar, with leucine, which is neutral and non-polar, at codon 2097 of the SON protein (p.Ser2097Leu).

NM_138927.4(SON):c.6290C>T (p.Ser2097Leu)

Gene: SON (SON DNA and RNA binding protein; plus strand). Cytogenetic location: 21q22.11.
Variant type: single nucleotide variant.
Coding change: c.6290C>T on transcript NM_138927.4 (MANE Select); coding-DNA position 6290, C replaced by T.
Protein change: p.Ser2097Leu; replaces serine 2097 with leucine.
Molecular consequence: missense variant. On other transcripts: non-coding transcript variant (1).
Genome position (GRCh38, 1-based): chr21:33,557,285, C>T. VCF-style: chr21-33557285-C-T. GRCh37 (hg19) VCF-style: chr21-34929591-C-T.
Other names: c.6290C>T, p.Ser2097Leu (NM_001291411.2, NM_001412133.1, NM_032195.3 and 2 more transcripts); c.374C>T, p.Ser125Leu (NM_001291412.3, NM_001412132.1); short protein forms S125L, S2097L.
Identifiers: ClinVar variation 2800617 (VCV002800617.3), dbSNP rs1324787270, ClinGen allele CA410166601.